The following is an entry in ClinVar:

NM_001378615.1(CC2D2A):c.247+639G>A

Genes: CC2D2A (coiled-coil and C2 domain containing 2A; plus strand), FBXL5 (F-box and leucine rich repeat protein 5; minus strand). Cytogenetic location: 4p15.32.
Variant type: single nucleotide variant.
Coding change: c.247+639G>A on transcript NM_001378615.1 (MANE Select); 639 bases into the intron after coding-DNA position 247, G replaced by A.
Molecular consequence: intron variant. On other transcripts: 3 prime UTR variant (2).
Genome position (GRCh38, 1-based): chr4:15,481,466, G>A. VCF-style: chr4-15481466-G-A. GRCh37 (hg19) VCF-style: chr4-15483090-G-A.
Other names: c.*181G>A (NM_001164720.3); c.*254G>A (NM_020785.2); c.247+639G>A (NM_001080522.2); c.100+639G>A (NM_001378617.1).
Identifiers: ClinVar variation 678326 (VCV000678326.2), dbSNP rs4698387, ClinGen allele CA11717924.

ClinVar aggregate classification (germline): Benign. Review status: criteria provided, multiple submitters, no conflicts (2 of 4 stars). 2 submissions from 2 submitters: Benign (2). Last evaluated 2018-06-14.

Allele frequency attached by ClinVar (database versions not stated): 1000 Genomes Project 0.22444; TOPMed 0.29285; gnomAD 0.30322 and 0.30550; 1000 Genomes Project 30x 0.22236.

Submissions (2):

GeneDx
Classification: Benign. Last evaluated: 2018-06-14. Review status: criteria provided, single submitter. Criteria: GeneDx Variant Classification (06012015). Collection method: clinical testing. Allele origin: germline. Affected: yes.
Comment: This variant is considered likely benign or benign based on one or more of the following criteria: it is a conservative change, it occurs at a poorly conserved position in the protein, it is predicted to be benign by multiple in silico algorithms, and/or has population frequency not consistent with disease.

Breakthrough Genomics
Classification: Benign. Review status: criteria provided, single submitter. Criteria: ACMG Guidelines, 2015. Collection method: not provided. Allele origin: germline. Inheritance: Autosomal recessive inheritance. Affected: yes.